The following is an entry in ClinVar:

NM_000407.5(GP1BB):c.1A>T (p.Met1Leu)

Genes: GP1BB (glycoprotein Ib platelet subunit beta; plus strand), SEPT5-GP1BB (SEPT5-GP1BB readthrough; plus strand). Cytogenetic location: 22q11.21.
Variant type: single nucleotide variant.
Coding change: c.1A>T on transcript NM_000407.5 (MANE Select); coding-DNA position 1, A replaced by T.
Protein change: p.Met1Leu; changes the start codon (methionine 1).
Molecular consequence: missense variant, initiator codon variant. On other transcripts: non-coding transcript variant (2).
Genome position (GRCh38, 1-based): chr22:19,723,570, A>T. VCF-style: chr22-19723570-A-T. GRCh37 (hg19) VCF-style: chr22-19711093-A-T.
Other names: NM_000407.5(GP1BB):c.1A>T; p.Met1Leu; short protein forms M1L.
Identifiers: ClinVar variation 1691253 (VCV001691253.4), dbSNP rs1389191920, ClinGen allele CA410676172.
Genomic context (GRCh38, chr22:19,723,570, plus strand): 5'-GCTCGGCTCTCCCGCCTACGCCTCCCGCTGCAGAGTAAGCCGGGCTGCCGTCTTCTCGCC[A>T]TGGGCTCCGGTGAGTCTGGAGTCCGGTCGGGCCCCCGGCTGCTCCCTAGGCCGACCCGGG-3'
Protein context (NP_000398.1, residues 1-11): [Met1Leu]GSGPRGALSL

ClinVar aggregate classification (germline): Likely pathogenic. Review status: reviewed by expert panel (3 of 4 stars). 3 submissions from 2 submitters: Likely pathogenic (1). 2 of the submissions do not count toward it. Last evaluated 2025-02-11.

Conditions:
Mild macrothrombocytopenia.
Bernard Soulier syndrome (BSS). Also called: Platelet Glycoprotein 1b, Deficiency of; GLYCOPROTEIN Ib, PLATELET, DEFICIENCY OF; PLATELET GLYCOPROTEIN Ib DEFICIENCY; BLEEDING DISORDER, PLATELET-TYPE, 1; VON WILLEBRAND FACTOR RECEPTOR DEFICIENCY; Giant platelet syndrome. Identifiers: Orphanet 274, MedGen C0005129, MeSH D001606, MONDO:0009276, OMIM 231200.

Submissions (3):

ClinGen Platelet Disorders Variant Curation Expert Panel, ClinGen
Classification: Likely pathogenic for Bernard Soulier syndrome. Last evaluated: 2025-02-11. Review status: reviewed by expert panel. Criteria: ClinGen Platelet ACMG Specifications GP1BB V1.0.0. Collection method: curation. Allele origin: germline. Inheritance: Autosomal recessive inheritance.
Comment: The NM_000407.5:c.1A>T (p.Met1Leu) variant in GP1BB may cause a truncated or absent protein by altering the start codon of the coding sequence and is predicted to lead to the omission of a critical region of the protein. There is no alternative in-frame methionine in GP1BB (PVS1). The Grpmax filtering allele frequency in gnomaDv4.1is 6.800e-7 (based on 3/1176548 alleles) in the European (non-Finnish) population, which is below the <0.0000651678 threshold for PM2_supporting. One heterozygous macrothrombocytopenia patient has been reported with this variant (PMID: 28983057; PS4_NotMet). In summary, this variant meets the criteria to be classified as Likely Pathogenic for autosomal recessive Bernard-Soulier syndrome based on the ACMG/AMP criteria applied, as specified by the ClinGen PD VCEP: PVS1 and PM2_Supporting (VCEP specifications 1).

ISTH-SSC Genomics in Thrombosis and Hemostasis, KU Leuven, Center for Molecular and Vascular Biology
Classification: Pathogenic for Bernard Soulier syndrome. Review status: criteria provided, single submitter. Criteria: ACMG Guidelines, 2015. Collection method: clinical testing. Allele origin: germline. Affected: yes. Observed: 1 heterozygote. Not counted in ClinVar's aggregate classification.
Comment: Submitted to GoldVariant by Jose María Bastida and José Rivera; Grupo Español de Alteraciones Plaquetarias Congénitas (GEAPC)

ISTH-SSC Genomics in Thrombosis and Hemostasis, KU Leuven, Center for Molecular and Vascular Biology
Classification: Likely pathogenic for Mild macrothrombocytopenia. Review status: no assertion criteria provided. Collection method: research. Allele origin: maternal. Affected: yes. Not counted in ClinVar's aggregate classification.
Comment: Submitted to GoldVariant by Jose María Bastida from Hospital Universitario Salamanca - IBSAL, Spain